The following is an entry in ClinVar:

NM_003079.5(SMARCE1):c.1123G>A (p.Asp375Asn)

Gene: SMARCE1 (SWI/SNF related BAF chromatin remodeling complex subunit E1; minus strand). Cytogenetic location: 17q21.2.
Variant type: single nucleotide variant.
Coding change: c.1123G>A on transcript NM_003079.5 (MANE Select); coding-DNA position 1123, G replaced by A.
Protein change: p.Asp375Asn; replaces aspartic acid 375 with asparagine.
Molecular consequence: missense variant.
Genome position (GRCh38, 1-based): chr17:40,628,898, C>T on the plus strand (G>A on the coding strand, the complement: SMARCE1 is on the minus strand). VCF-style: chr17-40628898-C-T. GRCh37 (hg19) VCF-style: chr17-38785150-C-T.
Other names: short protein forms D375N.
Identifiers: ClinVar variation 641673 (VCV000641673.13), dbSNP rs746301638, ClinGen allele CA8545058.

ClinVar aggregate classification (germline): Conflicting classifications of pathogenicity. Review status: criteria provided, conflicting classifications (1 of 4 stars). 4 submissions from 4 submitters: Uncertain significance (3); Likely benign (1). Last evaluated 2025-07-22.

Conditions:
Hereditary cancer-predisposing syndrome. Also called: Neoplastic Syndromes, Hereditary; Tumor predisposition; Hereditary neoplastic syndrome; Hereditary Cancer Syndrome. Identifiers: Orphanet 140162, MedGen C0027672, MeSH D009386, MONDO:0015356.
Familial meningioma. Also called: Meningioma, familial, susceptibility to. Identifiers: Orphanet 263662, MedGen C3551915, MONDO:0011789, OMIM 607174.

Allele frequency attached by ClinVar (database versions not stated): TOPMed below 0.00001; ExAC 0.00001; gnomAD exomes 0.00001 and 0.00003.
gnomAD v4.1: 43 of 1,613,692 alleles (0.0027%); highest among the groups gnomAD compares: Non-Finnish European, 0.0035%; no homozygotes.

Submissions (4):

Labcorp Genetics (formerly Invitae), Labcorp
Classification: Uncertain significance for Familial meningioma. Last evaluated: 2025-07-22. Review status: criteria provided, single submitter. Criteria: Invitae Variant Classification Sherloc (09022015). Collection method: clinical testing. Allele origin: germline.
Comment: This sequence change replaces aspartic acid, which is acidic and polar, with asparagine, which is neutral and polar, at codon 375 of the SMARCE1 protein (p.Asp375Asn). This variant is present in population databases (rs746301638, gnomAD 0.003%). This variant has not been reported in the literature in individuals affected with SMARCE1-related conditions. ClinVar contains an entry for this variant (Variation ID: 641673). Invitae Evidence Modeling of protein sequence and biophysical properties (such as structural, functional, and spatial information, amino acid conservation, physicochemical variation, residue mobility, and thermodynamic stability) indicates that this missense variant is not expected to disrupt SMARCE1 protein function with a negative predictive value of 80%. In summary, the available evidence is currently insufficient to determine the role of this variant in disease. Therefore, it has been classified as a Variant of Uncertain Significance.

Baylor Genetics
Classification: Uncertain significance for Familial meningioma. Last evaluated: 2023-05-14. Review status: criteria provided, single submitter. Criteria: ACMG Guidelines, 2015. Collection method: clinical testing. Allele origin: unknown.

Ambry Genetics
Classification: Likely benign for Hereditary cancer-predisposing syndrome. Last evaluated: 2023-02-24. Review status: criteria provided, single submitter. Criteria: Ambry Variant Classification Scheme 2023. Collection method: clinical testing. Allele origin: germline.

GeneDx
Classification: Uncertain significance. Last evaluated: 2022-10-31. Review status: criteria provided, single submitter. Criteria: GeneDx Variant Classification Process June 2021. Collection method: clinical testing. Allele origin: germline. Affected: yes.
Comment: In silico analysis supports that this missense variant does not alter protein structure/function; Has not been previously published as pathogenic or benign to our knowledge; This variant is associated with the following publications: (PMID: 19245665)